The following is an entry in ClinVar:

ClinVar aggregate classification (germline): Likely benign. Review status: criteria provided, single submitter (1 of 4 stars). 2 submissions from 2 submitters: Likely benign (1). 1 of the submissions does not count toward it. Last evaluated 2024-10-16.

Conditions:
RAI1-related disorder. Also called: RAI1-related condition.

Submissions (2):

Labcorp Genetics (formerly Invitae), Labcorp
Classification: Likely benign. Last evaluated: 2024-10-16. Review status: criteria provided, single submitter. Criteria: Invitae Variant Classification Sherloc (09022015). Collection method: clinical testing. Allele origin: germline.

PreventionGenetics, part of Exact Sciences
Classification: Likely benign for RAI1-related condition. Last evaluated: 2021-09-30. Review status: no assertion criteria provided. Collection method: clinical testing. Allele origin: germline. Not counted in ClinVar's aggregate classification.
Comment: This variant is classified as likely benign based on ACMG/AMP sequence variant interpretation guidelines (Richards et al. 2015 PMID: 25741868, with internal and published modifications).

NM_030665.4(RAI1):c.2253G>T (p.Leu751=)

Gene: RAI1 (retinoic acid induced 1; plus strand). Cytogenetic location: 17p11.2.
Variant type: single nucleotide variant.
Coding change: c.2253G>T on transcript NM_030665.4 (MANE Select); coding-DNA position 2253, G replaced by T.
Protein change: p.Leu751=; no amino-acid change (leucine 751 retained).
Molecular consequence: synonymous variant.
Genome position (GRCh38, 1-based): chr17:17,795,201, G>T. VCF-style: chr17-17795201-G-T. GRCh37 (hg19) VCF-style: chr17-17698515-G-T.
Identifiers: ClinVar variation 3355372 (VCV003355372.3).